The following is an entry in ClinVar:

ClinVar aggregate classification (germline): Uncertain significance (1 of 4 stars; one submission).

Conditions:
Bethlem myopathy 1A. Also called: MYOPATHY, BENIGN CONGENITAL, WITH CONTRACTURES; Bethlem myopathy 1; Bethlem Muscular Dystrophy. Identifiers: Orphanet 610, MedGen CN029274, MONDO:0024530, OMIM 158810.

gnomAD v4.1: 6 of 1,613,994 alleles (0.00037%); highest among the groups gnomAD compares: African/African-American, 0.0067%; no homozygotes.

Submission:

Labcorp Genetics (formerly Invitae), Labcorp
Classification: Uncertain significance for Bethlem myopathy 1A. Last evaluated: 2025-09-15. Review status: criteria provided, single submitter. Criteria: Invitae Variant Classification Sherloc (09022015). Collection method: clinical testing. Allele origin: germline.
Comment: This sequence change falls in intron 17 of the COL6A3 gene. It does not directly change the encoded amino acid sequence of the COL6A3 protein. It affects a nucleotide within the consensus splice site. This variant is present in population databases (rs375003188, gnomAD 0.003%). This variant has not been reported in the literature in individuals affected with COL6A3-related conditions. Variants that disrupt the consensus splice site are a relatively common cause of aberrant splicing (PMID: 17576681, 9536098). Algorithms developed to predict the effect of sequence changes on RNA splicing suggest that this variant is not likely to affect RNA splicing. In summary, the available evidence is currently insufficient to determine the role of this variant in disease. Therefore, it has been classified as a Variant of Uncertain Significance.

Literature cited by the submitters: PubMed 17576681; PubMed 9536098.

NM_004369.4(COL6A3):c.6282+6G>A

Gene: COL6A3 (collagen type VI alpha 3 chain; minus strand). Cytogenetic location: 2q37.3.
Variant type: single nucleotide variant.
Coding change: c.6282+6G>A on transcript NM_004369.4 (MANE Select); 6 bases into the intron after coding-DNA position 6282, G replaced by A.
Molecular consequence: intron variant.
Genome position (GRCh38, 1-based): chr2:237,360,082, C>T on the plus strand (G>A on the coding strand, the complement: COL6A3 is on the minus strand). VCF-style: chr2-237360082-C-T. GRCh37 (hg19) VCF-style: chr2-238268725-C-T.
Other names: c.4461+6G>A (NM_057166.5); c.5664+6G>A (NM_057167.4).
Identifiers: ClinVar variation 4708788 (VCV004708788.1).